The following is an entry in ClinVar:

NM_001365276.2(TNXB):c.913G>A (p.Asp305Asn)

Gene: TNXB (tenascin XB; minus strand). Cytogenetic location: 6p21.33.
Variant type: single nucleotide variant.
Coding change: c.913G>A on transcript NM_001365276.2 (MANE Select); coding-DNA position 913, G replaced by A.
Protein change: p.Asp305Asn; replaces aspartic acid 305 with asparagine.
Molecular consequence: missense variant.
Genome position (GRCh38, 1-based): chr6:32,096,940, C>T on the plus strand (G>A on the coding strand, the complement: TNXB is on the minus strand). VCF-style: chr6-32096940-C-T. GRCh37 (hg19) VCF-style: chr6-32064717-C-T.
Other names: c.913G>A, p.Asp305Asn (NM_001428335.1, NM_019105.8); short protein forms D305N.
Identifiers: ClinVar variation 3227350 (VCV003227350.1), dbSNP rs1290233876, ClinGen allele CA363484802.

ClinVar aggregate classification (germline): Uncertain significance (1 of 4 stars; one submission).

Conditions:
Cardiovascular phenotype. Identifiers: MedGen CN230736.

Allele frequency attached by ClinVar (database versions not stated): TOPMed 0.00001.

Submission:

Ambry Genetics
Classification: Uncertain significance for Cardiovascular phenotype. Last evaluated: 2023-10-29. Review status: criteria provided, single submitter. Criteria: Ambry Variant Classification Scheme 2023. Collection method: clinical testing. Allele origin: germline.
Comment: The p.D305N variant (also known as c.913G>A), located in coding exon 2 of the TNXB gene, results from a G to A substitution at nucleotide position 913. The aspartic acid at codon 305 is replaced by asparagine, an amino acid with highly similar properties. This amino acid position is conserved. In addition, this alteration is predicted to be tolerated by in silico analysis. Since supporting evidence is limited at this time, the clinical significance of this alteration remains unclear.